The following is an entry in ClinVar:

NM_001127255.2(NLRP7):c.2808dup (p.Arg937fs)

Genes: NCR1 (natural cytotoxicity triggering receptor 1), NLRP7 (NLR family pyrin domain containing 7; minus strand). Cytogenetic location: 19q13.42.
Variant type: Duplication.
Coding change: c.2808dup on transcript NM_001127255.2 (MANE Select); coding-DNA position 2808, one base duplicated (A; older notation c.2808dupA).
Protein change: p.Arg937fs; shifts the reading frame from arginine 937.
Molecular consequence: frameshift variant.
Genome position (GRCh38, 1-based): chr19:54,930,501, T duplicated on the plus strand (A on the coding strand, the reverse complement: NLRP7 is on the minus strand). VCF-style (leftmost placement, unchanged base first): chr19-54930500-G-GT. GRCh37 (hg19) VCF-style: chr19-55441868-G-GT.
Other names: c.2808dup, p.Arg937fs (NM_001405531.1, NM_206828.4); c.2724dup, p.Arg909fs (NM_139176.4); short protein forms R909fs, R937fs.
Identifiers: ClinVar variation 2635805 (VCV002635805.1), dbSNP rs2515738438, ClinGen allele CA2695201368.

ClinVar aggregate classification (germline): Likely pathogenic (1 of 4 stars; one submission).

Conditions:
NLRP7-related disorder. Also called: NLRP7-related condition.

Submission:

PreventionGenetics, part of Exact Sciences
Classification: Likely pathogenic for NLRP7-related condition. Last evaluated: 2023-08-14. Review status: criteria provided, single submitter. Criteria: ACMG Guidelines, 2015. Collection method: clinical testing. Allele origin: germline.
Comment: The NLRP7 c.2808dupA variant is predicted to result in a frameshift and premature protein termination (p.Arg937Thrfs*6). To our knowledge, this variant has not been reported in the literature or in a large population database, indicating this variant is rare. Frameshift variants in NLRP7 are expected to be pathogenic. This variant is interpreted as likely pathogenic.